The following is an entry in ClinVar:

ClinVar aggregate classification (germline): Uncertain significance. Review status: criteria provided, multiple submitters, no conflicts (2 of 4 stars). 4 submissions from 4 submitters: Uncertain significance (4). Last evaluated 2025-12-15.

Conditions:
Tuberous sclerosis 2 (TSC2). Identifiers: Orphanet 805, MedGen C1860707, MONDO:0013199, OMIM 613254.
Hereditary cancer-predisposing syndrome. Also called: Neoplastic Syndromes, Hereditary; Hereditary neoplastic syndrome; Tumor predisposition; Hereditary Cancer Syndrome. Identifiers: Orphanet 140162, MedGen C0027672, MeSH D009386, MONDO:0015356.

gnomAD v4.1: 3 of 1,614,102 alleles (0.00019%); highest among the groups gnomAD compares: East Asian, 0.0045%; no homozygotes.

Submissions (4):

Ambry Genetics
Classification: Uncertain significance for Hereditary cancer-predisposing syndrome. Last evaluated: 2025-12-15. Review status: criteria provided, single submitter. Criteria: Ambry Variant Classification Scheme 2023. Collection method: clinical testing. Allele origin: germline.
Comment: The p.E332Q variant (also known as c.994G>C), located in coding exon 10 of the TSC2 gene, results from a G to C substitution at nucleotide position 994. The glutamic acid at codon 332 is replaced by glutamine, an amino acid with highly similar properties. This amino acid position is well conserved in available vertebrate species. In addition, the in silico prediction for this alteration is inconclusive. Based on the available evidence, the clinical significance of this variant remains unclear.

Labcorp Genetics (formerly Invitae), Labcorp
Classification: Uncertain significance for Tuberous sclerosis 2. Last evaluated: 2025-05-05. Review status: criteria provided, single submitter. Criteria: Invitae Variant Classification Sherloc (09022015). Collection method: clinical testing. Allele origin: germline.
Comment: This sequence change replaces glutamic acid, which is acidic and polar, with glutamine, which is neutral and polar, at codon 332 of the TSC2 protein (p.Glu332Gln). This variant is not present in population databases (gnomAD no frequency). This variant has not been reported in the literature in individuals affected with TSC2-related conditions. ClinVar contains an entry for this variant (Variation ID: 1694775). Invitae Evidence Modeling of protein sequence and biophysical properties (such as structural, functional, and spatial information, amino acid conservation, physicochemical variation, residue mobility, and thermodynamic stability) indicates that this missense variant is not expected to disrupt TSC2 protein function with a negative predictive value of 95%. RNA analysis performed to evaluate the impact of this missense change on mRNA splicing indicates it does not significantly alter splicing (internal data). In summary, the available evidence is currently insufficient to determine the role of this variant in disease. Therefore, it has been classified as a Variant of Uncertain Significance.

GeneDx
Classification: Uncertain significance. Last evaluated: 2025-01-03. Review status: criteria provided, single submitter. Criteria: GeneDx Variant Classification Process June 2021. Collection method: clinical testing. Allele origin: germline. Affected: yes.
Comment: Not observed at significant frequency in large population cohorts (gnomAD); In silico analysis indicates that this missense variant does not alter protein structure/function; Has not been previously published as pathogenic or benign to our knowledge; This variant is associated with the following publications: (PMID: 18466115)

CeGaT Center for Human Genetics Tuebingen
Classification: Uncertain significance. Last evaluated: 2022-04-01. Review status: criteria provided, single submitter. Criteria: CeGaT Center For Human Genetics Tuebingen Variant Classification Criteria Version 2. Collection method: clinical testing. Allele origin: germline. Affected: yes. Observed: 1 variant allele.
Comment: TSC2: PM2

NM_000548.5(TSC2):c.994G>C (p.Glu332Gln)

Gene: TSC2 (TSC complex subunit 2; plus strand). Cytogenetic location: 16p13.3.
Variant type: single nucleotide variant.
Coding change: c.994G>C on transcript NM_000548.5 (MANE Select); coding-DNA position 994, G replaced by C.
Protein change: p.Glu332Gln; replaces glutamic acid 332 with glutamine.
Molecular consequence: missense variant.
Genome position (GRCh38, 1-based): chr16:2,060,688, G>C. VCF-style: chr16-2060688-G-C. GRCh37 (hg19) VCF-style: chr16-2110689-G-C.
Other names: c.994G>C, p.Glu332Gln (NM_001077183.3, NM_001114382.3, NM_001363528.2 and 3 more transcripts); c.883G>C, p.Glu295Gln (NM_001318827.2); c.847G>C, p.Glu283Gln (NM_001318829.2); c.394G>C, p.Glu132Gln (NM_001318831.2); c.1027G>C, p.Glu343Gln (NM_001318832.2); short protein forms E132Q, E283Q, E295Q, E332Q, E343Q.
Identifiers: ClinVar variation 1694775 (VCV001694775.36), dbSNP rs911600402, ClinGen allele CA394317289.